The following is an entry in ClinVar:

NM_001367624.2(ZNF469):c.1942_1946dup (p.Pro651fs)

Gene: ZNF469 (zinc finger protein 469; plus strand). Cytogenetic location: 16q24.2.
Variant type: Duplication.
Coding change: c.1942_1946dup on transcript NM_001367624.2 (MANE Select); coding-DNA positions 1942 to 1946, 5 bases duplicated (TTCCC; older notation c.1942_1946dupTTCCC).
Protein change: p.Pro651fs; shifts the reading frame from proline 651.
Molecular consequence: frameshift variant.
Genome position (GRCh38, 1-based): chr16:88,429,412-88,429,416, TTCCC duplicated; duplicating any 5 consecutive bases within chr16:88,429,409-88,429,416 gives the same sequence; the c. name uses the placement nearest the transcript's 3' end. VCF-style (leftmost placement, unchanged base first): chr16-88429408-C-CCCCTT. GRCh37 (hg19) VCF-style: chr16-88495816-C-CCCCTT.
Other names: short protein forms P651fs.
Identifiers: ClinVar variation 2814220 (VCV002814220.3), dbSNP rs2507576747, ClinGen allele CA2739265539.

ClinVar aggregate classification (germline): Pathogenic (1 of 4 stars; one submission).

Submission:

Labcorp Genetics (formerly Invitae), Labcorp
Classification: Pathogenic. Last evaluated: 2022-11-14. Review status: criteria provided, single submitter. Criteria: Invitae Variant Classification Sherloc (09022015). Collection method: clinical testing. Allele origin: germline.
Comment: For these reasons, this variant has been classified as Pathogenic. This variant has not been reported in the literature in individuals affected with ZNF469-related conditions. This variant is not present in population databases (gnomAD no frequency). This sequence change creates a premature translational stop signal (p.Pro651Argfs*83) in the ZNF469 gene. It is expected to result in an absent or disrupted protein product. Loss-of-function variants in ZNF469 are known to be pathogenic (PMID: 23642083, 23680354).

Literature cited by the submitters: PubMed 23642083; PubMed 23680354.